The following continues an entry in ClinVar:

NM_007294.4(BRCA1):c.442-1G>T

Gene: BRCA1. ClinVar aggregate classification (germline): Uncertain significance. Uncertain significance (1).

Submissions 7 to 10 of 10:

GeneDx
Classification: Uncertain significance. Last evaluated: 2022-02-09. Review status: criteria provided, single submitter. Criteria: GeneDx Variant Classification Process June 2021. Collection method: clinical testing. Allele origin: germline. Affected: yes. Not counted in ClinVar's aggregate classification.
Comment: Canonical splice site variant predicted to result in aberrant splicing, potentially leading to a known naturally occurring isoform, the in-frame deletion of a single amino acid, p.Gln148del (Colombo 2014); Not observed at significant frequency in large population cohorts (gnomAD); Also known as 561-1G>T and IVS7-1G>T; This variant is associated with the following publications: (PMID: 27008870, 24569164, 30702160)

Division Of Personalized Genomic Medicine, Columbia University Irving Medical Center
Classification: Uncertain significance for Breast-ovarian cancer, familial, susceptibility to, 1. Last evaluated: 2020-03-18. Review status: criteria provided, single submitter. Criteria: ACMG Guidelines, 2015. Collection method: clinical testing. Allele origin: germline. Inheritance: Autosomal dominant inheritance. Affected: no. Observed: 1 heterozygote. Not counted in ClinVar's aggregate classification.
Comment: The c.442-1G>T variant in the BRCA1 gene is a heterozygous canonical splice site variant, which affects an acceptor splice site in intron 6 (23 introns total; NM_007300.4). A substitution at this site is predicted to disrupt mRNA splicing and likely results in an absent or disrupted protein product. Computational splicing tools have mixed results, where several predict the 3' acceptor site to be abolished, but also predict the strengthening of a cryptic 3' acceptor site that would only result in an in-frame deletion of several amino acids. There is some experimental data to show that the latter scenario may be true (PMID: 24569164). Currently, we do not definitively know which effect on the protein this variant will cause. This variant has been observed in the Genome Aggregation Database (gnomAD) at a very low frequency (2/282,812), indicating it is not a common benign variant in the populations represented in this database. To the best of our knowledge, this variant has not been reported in individuals affected with Hereditary Breast and Ovarian Cancer. Heterozygous loss-of-function variants in BRCA1, distal to this variant have been described to be associated with an increased risk of developing breast and ovarian cancer. However, the exact risk of breast and ovarian cancer, if any, conferred by this specific variant has not been determined.

Human Genome Sequencing Center Clinical Lab, Baylor College of Medicine
Classification: Likely pathogenic for Familial breast-ovarian cancer 1. Last evaluated: 2018-10-12. Review status: criteria provided, single submitter. Criteria: ACMG Guidelines, 2015. Collection method: clinical testing. Allele origin: germline. Not counted in ClinVar's aggregate classification.
Comment: This c.442-1G>T variant in the BRCA1 gene disrupts the canonical splice acceptor site in intron 7 and is predicted to result in abnormal mRNA splicing. This variant has an extremely low frequency in large databases of genetic variation in the general population. Loss of function variants in the BRCA1 gene have been associated with familial breast-ovarian cancer-1 (BROVCA1, MIM# 604370). Therefore, this c.442-1G>T variant in the BRCA1 gene is classified as likely pathogenic.

Counsyl
Classification: Likely pathogenic for Breast-ovarian cancer, familial, susceptibility to, 1. Last evaluated: 2018-02-01. Review status: no assertion criteria provided. Collection method: clinical testing. Allele origin: unknown. Not counted in ClinVar's aggregate classification.

Literature cited by the submitters: PubMed 30702160 (cited by 3 submitters); PubMed 24569164 (cited by 3 submitters); PubMed 16199547 (cited by Sema4); PubMed 20104584 (cited by Sema4).